The following is an entry in ClinVar:

NM_001365088.1(SLC12A6):c.2445G>C (p.Lys815Asn)

Genes: SLC12A6 (solute carrier family 12 member 6; minus strand), LOC126862097 (P300/CBP strongly-dependent group 1 enhancer GRCh37_chr15:34531007-34532206; plus strand). Cytogenetic location: 15q14.
Variant type: single nucleotide variant.
Coding change: c.2445G>C on transcript NM_001365088.1 (MANE Select); coding-DNA position 2445, G replaced by C.
Protein change: p.Lys815Asn; replaces lysine 815 with asparagine.
Molecular consequence: missense variant.
Genome position (GRCh38, 1-based): chr15:34,239,152, C>G on the plus strand (G>C on the coding strand, the complement: SLC12A6 is on the minus strand). VCF-style: chr15-34239152-C-G. GRCh37 (hg19) VCF-style: chr15-34531353-C-G.
Other names: c.2268G>C, p.Lys756Asn (NM_001042494.2, NM_001042495.2); c.2418G>C, p.Lys806Asn (NM_001042496.2); c.2400G>C, p.Lys800Asn (NM_001042497.2); c.2292G>C, p.Lys764Asn (NM_005135.2); c.2445G>C, p.Lys815Asn (NM_133647.2); short protein forms K756N, K764N, K800N, K806N, K815N.
Identifiers: ClinVar variation 1714114 (VCV001714114.6), dbSNP rs2509756438, ClinGen allele CA391619510.

ClinVar aggregate classification (germline): Uncertain significance (1 of 4 stars; one submission).

Submission:

Labcorp Genetics (formerly Invitae), Labcorp
Classification: Uncertain significance. Last evaluated: 2022-07-29. Review status: criteria provided, single submitter. Criteria: Invitae Variant Classification Sherloc (09022015). Collection method: clinical testing. Allele origin: germline.
Comment: This sequence change replaces lysine, which is basic and polar, with asparagine, which is neutral and polar, at codon 815 of the SLC12A6 protein (p.Lys815Asn). This variant is not present in population databases (gnomAD no frequency). This variant has not been reported in the literature in individuals affected with SLC12A6-related conditions. Algorithms developed to predict the effect of missense changes on protein structure and function are either unavailable or do not agree on the potential impact of this missense change (SIFT: "Tolerated"; PolyPhen-2: "Probably Damaging"; Align-GVGD: "Class C0"). In summary, the available evidence is currently insufficient to determine the role of this variant in disease. Therefore, it has been classified as a Variant of Uncertain Significance.